The following is an entry in ClinVar:

NM_139321.3(ATRN):c.1504G>A (p.Gly502Ser)

Gene: ATRN (attractin; plus strand). Cytogenetic location: 20p13.
Variant type: single nucleotide variant.
Coding change: c.1504G>A on transcript NM_139321.3 (MANE Select); coding-DNA position 1504, G replaced by A.
Protein change: p.Gly502Ser; replaces glycine 502 with serine.
Molecular consequence: missense variant.
Genome position (GRCh38, 1-based): chr20:3,562,332, G>A. VCF-style: chr20-3562332-G-A. GRCh37 (hg19) VCF-style: chr20-3542979-G-A.
Other names: c.1156G>A, p.Gly386Ser (NM_001207047.3); c.1504G>A, p.Gly502Ser (NM_001323332.2, NM_139322.4); c.1504G>A (NM_139321.2); short protein forms G386S, G502S.
Identifiers: ClinVar variation 2140450 (VCV002140450.6), dbSNP rs185855121, ClinGen allele CA9744072.

ClinVar aggregate classification (germline): Uncertain significance. Review status: criteria provided, multiple submitters, no conflicts (2 of 4 stars). 2 submissions from 2 submitters: Uncertain significance (2). Last evaluated 2025-02-08.

Allele frequency attached by ClinVar (database versions not stated): gnomAD exomes 0.00003; ExAC 0.00007; ESP Exome Variant Server 0.00008; gnomAD 0.00009; TOPMed 0.00009; 1000 Genomes Project 0.00040; 1000 Genomes Project 30x 0.00062.
gnomAD v4.1: 64 of 1,614,036 alleles (0.004%); highest among the groups gnomAD compares: Admixed American, 0.042%; no homozygotes.

Submissions (2):

Ambry Genetics
Classification: Uncertain significance. Last evaluated: 2025-02-08. Review status: criteria provided, single submitter. Criteria: Ambry Variant Classification Scheme 2023. Collection method: clinical testing. Allele origin: germline.

Labcorp Genetics (formerly Invitae), Labcorp
Classification: Uncertain significance. Last evaluated: 2024-05-03. Review status: criteria provided, single submitter. Criteria: Invitae Variant Classification Sherloc (09022015). Collection method: clinical testing. Allele origin: germline.
Comment: This sequence change replaces glycine, which is neutral and non-polar, with serine, which is neutral and polar, at codon 502 of the ATRN protein (p.Gly502Ser). This variant is present in population databases (rs185855121, gnomAD 0.04%). This variant has not been reported in the literature in individuals affected with ATRN-related conditions. ClinVar contains an entry for this variant (Variation ID: 2140450). An algorithm developed to predict the effect of missense changes on protein structure and function (PolyPhen-2) suggests that this variant is likely to be disruptive. In summary, the available evidence is currently insufficient to determine the role of this variant in disease. Therefore, it has been classified as a Variant of Uncertain Significance.